The following is an entry in ClinVar:

NM_001001331.4(ATP2B2):c.2008C>T (p.Arg670Cys)

Gene: ATP2B2 (ATPase plasma membrane Ca2+ transporting 2; minus strand). Cytogenetic location: 3p25.3.
Variant type: single nucleotide variant.
Coding change: c.2008C>T on transcript NM_001001331.4 (MANE Select); coding-DNA position 2008, C replaced by T.
Protein change: p.Arg670Cys; replaces arginine 670 with cysteine.
Molecular consequence: missense variant.
Genome position (GRCh38, 1-based): chr3:10,358,819, G>A on the plus strand (C>T on the coding strand, the complement: ATP2B2 is on the minus strand). VCF-style: chr3-10358819-G-A. GRCh37 (hg19) VCF-style: chr3-10400503-G-A.
Other names: c.1873C>T, p.Arg625Cys (NM_001330611.3, NM_001353564.1, NM_001363862.1 and 1 more transcripts); short protein forms R625C, R670C.
Identifiers: ClinVar variation 3361059 (VCV003361059.1).

ClinVar aggregate classification (germline): Uncertain significance (1 of 4 stars; one submission).

gnomAD v4.1: 1 of 1,614,214 alleles (0.000062%); no homozygotes.

Submission:

GeneDx
Classification: Uncertain significance. Last evaluated: 2023-07-11. Review status: criteria provided, single submitter. Criteria: GeneDx Variant Classification Process June 2021. Collection method: clinical testing. Allele origin: germline. Affected: yes.
Comment: Not observed at significant frequency in large population cohorts (gnomAD); In silico analysis supports that this missense variant has a deleterious effect on protein structure/function; Has not been previously published as pathogenic or benign to our knowledge.